The following is an entry in ClinVar:

NM_006767.4(LZTR1):c.1870C>T (p.Leu624=)

Gene: LZTR1 (leucine zipper like post translational regulator 1; plus strand). Cytogenetic location: 22q11.21.
Variant type: single nucleotide variant.
Coding change: c.1870C>T on transcript NM_006767.4 (MANE Select); coding-DNA position 1870, C replaced by T.
Protein change: p.Leu624=; no amino-acid change (leucine 624 retained).
Molecular consequence: synonymous variant.
Genome position (GRCh38, 1-based): chr22:20,994,954, C>T. VCF-style: chr22-20994954-C-T. GRCh37 (hg19) VCF-style: chr22-21349243-C-T.
Identifiers: ClinVar variation 1781682 (VCV001781682.8), dbSNP rs1230886860, ClinGen allele CA513699464.

ClinVar aggregate classification (germline): Conflicting classifications of pathogenicity. Review status: criteria provided, conflicting classifications (1 of 4 stars). 3 submissions from 3 submitters: Uncertain significance (1); Likely benign (2). Last evaluated 2025-09-03.

Conditions:
Hereditary cancer-predisposing syndrome. Also called: Neoplastic Syndromes, Hereditary; Tumor predisposition; Hereditary Cancer Syndrome; Hereditary neoplastic syndrome. Identifiers: Orphanet 140162, MedGen C0027672, MeSH D009386, MONDO:0015356.
Cardiovascular phenotype. Identifiers: MedGen CN230736.

Allele frequency attached by ClinVar (database versions not stated): TOPMed below 0.00001; gnomAD 0.00001.
gnomAD v4.1: 12 of 1,613,222 alleles (0.00074%); highest among the groups gnomAD compares: African/African-American, 0.0013%; no homozygotes.

Submissions (3):

Labcorp Genetics (formerly Invitae), Labcorp
Classification: Likely benign. Last evaluated: 2025-09-03. Review status: criteria provided, single submitter. Criteria: Invitae Variant Classification Sherloc (09022015). Collection method: clinical testing. Allele origin: germline.

GeneDx
Classification: Uncertain significance. Last evaluated: 2024-03-04. Review status: criteria provided, single submitter. Criteria: GeneDx Variant Classification Process June 2021. Collection method: clinical testing. Allele origin: germline. Affected: yes.
Comment: Not observed at significant frequency in large population cohorts (gnomAD); In silico analysis supports that this variant does not alter splicing; Has not been previously published as pathogenic or benign to our knowledge

Ambry Genetics
Classification: Likely benign for Cardiovascular phenotype; Hereditary cancer-predisposing syndrome. Last evaluated: 2022-08-16. Review status: criteria provided, single submitter. Criteria: Ambry Variant Classification Scheme 2023. Collection method: clinical testing. Allele origin: germline.